The following is an entry in ClinVar:

NM_007348.4(ATF6):c.1018G>A (p.Ala340Thr)

Gene: ATF6 (activating transcription factor 6; plus strand). Cytogenetic location: 1q23.3.
Variant type: single nucleotide variant.
Coding change: c.1018G>A on transcript NM_007348.4 (MANE Select); coding-DNA position 1018, G replaced by A.
Protein change: p.Ala340Thr; replaces alanine 340 with threonine.
Molecular consequence: missense variant.
Genome position (GRCh38, 1-based): chr1:161,819,741, G>A. VCF-style: chr1-161819741-G-A. GRCh37 (hg19) VCF-style: chr1-161789531-G-A.
Other names: short protein forms A340T.
Identifiers: ClinVar variation 1016706 (VCV001016706.5), dbSNP rs749537392, ClinGen allele CA1214340.

ClinVar aggregate classification (germline): Uncertain significance (1 of 4 stars; one submission).

Allele frequency attached by ClinVar (database versions not stated): gnomAD 0.00001; TOPMed 0.00001; ExAC 0.00002; gnomAD exomes 0.00002.
gnomAD v4.1: 8 of 1,612,826 alleles (0.0005%); highest among the groups gnomAD compares: Admixed American, 0.013%; no homozygotes.

Submission:

Labcorp Genetics (formerly Invitae), Labcorp
Classification: Uncertain significance. Last evaluated: 2022-08-22. Review status: criteria provided, single submitter. Criteria: Invitae Variant Classification Sherloc (09022015). Collection method: clinical testing. Allele origin: germline.
Comment: This sequence change replaces alanine, which is neutral and non-polar, with threonine, which is neutral and polar, at codon 340 of the ATF6 protein (p.Ala340Thr). In summary, the available evidence is currently insufficient to determine the role of this variant in disease. Therefore, it has been classified as a Variant of Uncertain Significance. Algorithms developed to predict the effect of missense changes on protein structure and function (SIFT, PolyPhen-2, Align-GVGD) all suggest that this variant is likely to be tolerated. ClinVar contains an entry for this variant (Variation ID: 1016706). This variant has not been reported in the literature in individuals affected with ATF6-related conditions. This variant is present in population databases (rs749537392, gnomAD 0.02%).